The following is an entry in ClinVar:

ClinVar aggregate classification (germline): Uncertain significance (1 of 4 stars; one submission).

Submission:

Ambry Genetics
Classification: Uncertain significance. Last evaluated: 2025-02-03. Review status: criteria provided, single submitter. Criteria: Ambry Variant Classification Scheme 2023. Collection method: clinical testing. Allele origin: germline.
Comment: The p.R210G variant (also known as c.628C>G), located in coding exon 3 of the GALNT12 gene, results from a C to G substitution at nucleotide position 628. The arginine at codon 210 is replaced by glycine, an amino acid with dissimilar properties. This amino acid position is highly conserved in available vertebrate species. In addition, this alteration is predicted to be deleterious by in silico analysis. Since supporting evidence is limited at this time, the clinical significance of this alteration remains unclear.

NM_024642.5(GALNT12):c.628C>G (p.Arg210Gly)

Gene: GALNT12 (polypeptide N-acetylgalactosaminyltransferase 12; plus strand). Cytogenetic location: 9q22.33.
Variant type: single nucleotide variant.
Coding change: c.628C>G on transcript NM_024642.5 (MANE Select); coding-DNA position 628, C replaced by G.
Protein change: p.Arg210Gly; replaces arginine 210 with glycine.
Molecular consequence: missense variant.
Genome position (GRCh38, 1-based): chr9:98,826,838, C>G. VCF-style: chr9-98826838-C-G. GRCh37 (hg19) VCF-style: chr9-101589120-C-G.
Other names: short protein forms R210G.
Identifiers: ClinVar variation 1752646 (VCV001752646.3), dbSNP rs1332266053, ClinGen allele CA374217550.